The following is an entry in ClinVar:

ClinVar aggregate classification (germline): Benign/Likely benign. Review status: criteria provided, multiple submitters, no conflicts (2 of 4 stars). 7 submissions from 7 submitters: Benign (1); Likely benign (5). 1 of the submissions does not count toward it. Last evaluated 2026-02-01.

Conditions:
LRP2-related disorder. Also called: LRP2-related condition.
Inborn genetic diseases. Identifiers: MedGen C0950123, MeSH D030342.
Donnai-Barrow syndrome. Also called: DBS/FOAR SYNDROME; FACIOOCULOACOUSTICORENAL SYNDROME. Identifiers: Orphanet 2143, MedGen C1857277, MONDO:0009104, OMIM 222448.

Allele frequency attached by ClinVar (database versions not stated): gnomAD exomes 0.00012 and 0.00027; ExAC 0.00030; 1000 Genomes Project 0.00040; 1000 Genomes Project 30x 0.00062; gnomAD 0.00115 and 0.00129; ESP Exome Variant Server 0.00131; TOPMed 0.00146.
gnomAD v4.1: 366 of 1,612,318 alleles (0.023%); highest among the groups gnomAD compares: African/African-American, 0.43%; 1 homozygote.

Submissions (7):

Labcorp Genetics (formerly Invitae), Labcorp
Classification: Likely benign. Last evaluated: 2026-02-01. Review status: criteria provided, single submitter. Criteria: Invitae Variant Classification Sherloc (09022015). Collection method: clinical testing. Allele origin: germline.

Blueprint Genetics
Classification: Likely benign. Last evaluated: 2023-11-28. Review status: criteria provided, single submitter. Criteria: ACMG Guidelines, 2015. Collection method: clinical testing. Allele origin: germline.

Women's Health and Genetics/Laboratory Corporation of America, LabCorp
Classification: Likely benign. Last evaluated: 2023-03-15. Review status: criteria provided, single submitter. Criteria: LabCorp Variant Classification Summary - May 2015. Collection method: clinical testing. Allele origin: germline.
Comment: Variant summary: LRP2 c.12287T>C (p.Ile4096Thr) results in a non-conservative amino acid change in the encoded protein sequence. Four of five in-silico tools predict a benign effect of the variant on protein function. The variant allele was found at a frequency of 0.00027 in 251214 control chromosomes, predominantly at a frequency of 0.0038 within the African or African-American subpopulation in the gnomAD database. The observed variant frequency within African or African-American control individuals in the gnomAD database is approximately 3.4 fold of the estimated maximal expected allele frequency for a pathogenic variant in LRP2 causing Donnai Barrow Syndrome phenotype (0.0011), strongly suggesting that the variant is a benign polymorphism found primarily in populations of African or African-American origin. To our knowledge, no occurrence of c.12287T>C in individuals affected with Donnai Barrow Syndrome and no experimental evidence demonstrating its impact on protein function have been reported. Four clinical diagnostic laboratories have submitted clinical-significance assessments for this variant to ClinVar after 2014 without evidence for independent evaluation. All laboratories classified the variant as benign/likely benign. Based on the evidence outlined above, the variant was classified as likely benign.

Ambry Genetics
Classification: Benign for Inborn genetic diseases. Last evaluated: 2022-02-28. Review status: criteria provided, single submitter. Criteria: Ambry Variant Classification Scheme 2023. Collection method: clinical testing. Allele origin: germline.

Fulgent Genetics
Classification: Likely benign for Donnai-Barrow syndrome. Last evaluated: 2021-09-29. Review status: criteria provided, single submitter. Criteria: ACMG Guidelines, 2015. Collection method: clinical testing. Allele origin: unknown.

Illumina Laboratory Services, Illumina
Classification: Likely benign for Donnai-Barrow syndrome. Last evaluated: 2018-01-13. Review status: criteria provided, single submitter. Criteria: ICSL Variant Classification Criteria 13 December 2019. Collection method: clinical testing. Allele origin: germline.
Comment: This variant was observed in the ICSL laboratory as part of a predisposition screen in an ostensibly healthy population. It had not been previously curated by ICSL or reported in the Human Gene Mutation Database (HGMD: prior to June 1st, 2018), and was therefore a candidate for classification through an automated scoring system. Utilizing variant allele frequency, disease prevalence and penetrance estimates, and inheritance mode, an automated score was calculated to assess if this variant is too frequent to cause the disease. Based on the score and internal cut-off values, a variant classified as likely benign is not then subjected to further curation. The score for this variant resulted in a classification of likely benign for this disease.

PreventionGenetics, part of Exact Sciences
Classification: Likely benign for LRP2-related condition. Last evaluated: 2022-06-27. Review status: no assertion criteria provided. Collection method: clinical testing. Allele origin: germline. Not counted in ClinVar's aggregate classification.
Comment: This variant is classified as likely benign based on ACMG/AMP sequence variant interpretation guidelines (Richards et al. 2015 PMID: 25741868, with internal and published modifications).

Literature cited by the submitters: PubMed 29992659 (cited by Ambry Genetics).

NM_004525.3(LRP2):c.12287T>C (p.Ile4096Thr)

Gene: LRP2 (LDL receptor related protein 2; minus strand). Cytogenetic location: 2q31.1.
Variant type: single nucleotide variant.
Coding change: c.12287T>C on transcript NM_004525.3 (MANE Select); coding-DNA position 12287, T replaced by C.
Protein change: p.Ile4096Thr; replaces isoleucine 4096 with threonine.
Molecular consequence: missense variant.
Genome position (GRCh38, 1-based): chr2:169,154,468, A>G on the plus strand (T>C on the coding strand, the complement: LRP2 is on the minus strand). VCF-style: chr2-169154468-A-G. GRCh37 (hg19) VCF-style: chr2-170010978-A-G.
Other names: short protein forms I4096T.
Identifiers: ClinVar variation 332085 (VCV000332085.21), dbSNP rs137922929, ClinGen allele CA1952851.